The following is an entry in ClinVar:

ClinVar aggregate classification (germline): Uncertain significance. Review status: criteria provided, multiple submitters, no conflicts (2 of 4 stars). 3 submissions from 3 submitters: Uncertain significance (3). Last evaluated 2021-10-26.

Conditions:
Inborn genetic diseases. Identifiers: MedGen C0950123, MeSH D030342.
Cataract 36. Identifiers: MedGen C3151304, MONDO:0013484, OMIM 613887.

Allele frequency attached by ClinVar (database versions not stated): 1000 Genomes Project 30x 0.00016; 1000 Genomes Project 0.00020; TOPMed 0.00022; ESP Exome Variant Server 0.00023.
gnomAD v4.1: 559 of 1,614,058 alleles (0.035%); highest among the groups gnomAD compares: Non-Finnish European, 0.045%; no homozygotes.

Submissions (3):

Ambry Genetics
Classification: Uncertain significance for Inborn genetic diseases. Last evaluated: 2021-10-26. Review status: criteria provided, single submitter. Criteria: Ambry Variant Classification Scheme 2023. Collection method: clinical testing. Allele origin: germline.

Labcorp Genetics (formerly Invitae), Labcorp
Classification: Uncertain significance for Cataract 36. Last evaluated: 2021-08-20. Review status: criteria provided, single submitter. Criteria: Invitae Variant Classification Sherloc (09022015). Collection method: clinical testing. Allele origin: germline.
Comment: This sequence change replaces isoleucine with valine at codon 1002 of the TDRD7 protein (p.Ile1002Val). The isoleucine residue is moderately conserved and there is a small physicochemical difference between isoleucine and valine. This variant is present in population databases (rs202206922, ExAC 0.1%). This variant has not been reported in the literature in individuals affected with TDRD7-related conditions. Algorithms developed to predict the effect of missense changes on protein structure and function output the following: SIFT: "Tolerated"; PolyPhen-2: "Benign"; Align-GVGD: "Class C0". The valine amino acid residue is found in multiple mammalian species, which suggests that this missense change does not adversely affect protein function. Algorithms developed to predict the effect of sequence changes on RNA splicing suggest that this variant may create or strengthen a splice site. In summary, the available evidence is currently insufficient to determine the role of this variant in disease. Therefore, it has been classified as a Variant of Uncertain Significance.

Illumina Laboratory Services, Illumina
Classification: Uncertain significance for Cataract 36. Last evaluated: 2018-01-13. Review status: criteria provided, single submitter. Criteria: ICSL Variant Classification Criteria 13 December 2019. Collection method: clinical testing. Allele origin: germline.

NM_014290.3(TDRD7):c.3004A>G (p.Ile1002Val)

Gene: TDRD7 (tudor domain containing 7; plus strand). Cytogenetic location: 9q22.33.
Variant type: single nucleotide variant.
Coding change: c.3004A>G on transcript NM_014290.3 (MANE Select); coding-DNA position 3004, A replaced by G.
Protein change: p.Ile1002Val; replaces isoleucine 1002 with valine.
Molecular consequence: missense variant.
Genome position (GRCh38, 1-based): chr9:97,487,260, A>G. VCF-style: chr9-97487260-A-G. GRCh37 (hg19) VCF-style: chr9-100249542-A-G.
Other names: c.2782A>G, p.Ile928Val (NM_001302884.2); short protein forms I1002V, I928V.
Identifiers: ClinVar variation 471810 (VCV000471810.10), dbSNP rs202206922, ClinGen allele CA5147057.